The following is an entry in ClinVar:

NM_000275.3(OCA2):c.1026C>T (p.Tyr342=)

Gene: OCA2 (OCA2 melanosomal transmembrane protein; minus strand). Cytogenetic location: 15q13.1.
Variant type: single nucleotide variant.
Coding change: c.1026C>T on transcript NM_000275.3 (MANE Select); coding-DNA position 1026, C replaced by T.
Protein change: p.Tyr342=; no amino-acid change (tyrosine 342 retained).
Molecular consequence: synonymous variant.
Genome position (GRCh38, 1-based): chr15:28,014,794, G>A on the plus strand (C>T on the coding strand, the complement: OCA2 is on the minus strand). VCF-style: chr15-28014794-G-A. GRCh37 (hg19) VCF-style: chr15-28259940-G-A.
Other names: c.1026C>T, p.Tyr342= (NM_001300984.2).
Identifiers: ClinVar variation 255714 (VCV000255714.17), dbSNP rs1800403, ClinGen allele CA7439257.

ClinVar aggregate classification (germline): Benign/Likely benign. Review status: criteria provided, multiple submitters, no conflicts (2 of 4 stars). 4 submissions from 4 submitters: Benign (2); Likely benign (2). Last evaluated 2026-01-31.

Conditions:
Tyrosinase-positive oculocutaneous albinism (OCA2). Also called: ALBINISM II; Oculocutaneous albinism type 2; Albinism, oculocutaneous, type II. Identifiers: Orphanet 79432, MedGen C0268495, MONDO:0008746, OMIM 203200.

Allele frequency attached by ClinVar (database versions not stated): gnomAD exomes 0.00063 and 0.00182; ExAC 0.00220; TOPMed 0.00752; ESP Exome Variant Server 0.00792; 1000 Genomes Project 0.00859; 1000 Genomes Project 30x 0.00999.
gnomAD v4.1: 2,040 of 1,613,688 alleles (0.13%); highest among the groups gnomAD compares: African/African-American, 2.4%; 27 homozygotes.

Submissions (4):

Labcorp Genetics (formerly Invitae), Labcorp
Classification: Benign. Last evaluated: 2026-01-31. Review status: criteria provided, single submitter. Criteria: Invitae Variant Classification Sherloc (09022015). Collection method: clinical testing. Allele origin: germline.

Illumina Laboratory Services, Illumina
Classification: Benign for Tyrosinase-positive oculocutaneous albinism. Last evaluated: 2017-04-27. Review status: criteria provided, single submitter. Criteria: ICSL Variant Classification Criteria 13 December 2019. Collection method: clinical testing. Allele origin: germline.
Comment: This variant was observed as part of a predisposition screen in an ostensibly healthy population. A literature search was performed for the gene, cDNA change, and amino acid change (where applicable). Publications were found based on this search. The evidence from the literature, in combination with allele frequency data from public databases where available, was sufficient to rule this variant out of causing disease. Therefore, this variant is classified as benign.

Breakthrough Genomics
Classification: Likely benign. Review status: criteria provided, single submitter. Criteria: ACMG Guidelines, 2015. Collection method: not provided. Allele origin: germline. Inheritance: Autosomal recessive inheritance. Affected: yes.

PreventionGenetics, part of Exact Sciences
Classification: Likely benign. Review status: criteria provided, single submitter. Criteria: ACMG Guidelines, 2015. Collection method: clinical testing. Allele origin: germline.

Literature cited by the submitters: PubMed 17236130 (cited by Illumina Laboratory Services, Illumina); PubMed 10649493 (cited by Illumina Laboratory Services, Illumina); PubMed 7762554 (cited by Illumina Laboratory Services, Illumina).